The following is an entry in ClinVar:

NM_004304.5(ALK):c.3463G>A (p.Val1155Met)

Gene: ALK (ALK receptor tyrosine kinase; minus strand). Cytogenetic location: 2p23.2.
Variant type: single nucleotide variant.
Coding change: c.3463G>A on transcript NM_004304.5 (MANE Select); coding-DNA position 3463, G replaced by A.
Protein change: p.Val1155Met; replaces valine 1155 with methionine.
Molecular consequence: missense variant.
Genome position (GRCh38, 1-based): chr2:29,222,396, C>T on the plus strand (G>A on the coding strand, the complement: ALK is on the minus strand). VCF-style: chr2-29222396-C-T. GRCh37 (hg19) VCF-style: chr2-29445262-C-T.
Other names: c.3463G>A (NM_004304.4); c.259G>A, p.Val87Met (NM_001353765.2); short protein forms V1155M, V87M.
Identifiers: ClinVar variation 3630089 (VCV003630089.3).

ClinVar aggregate classification (germline): Uncertain significance. Review status: criteria provided, multiple submitters, no conflicts (2 of 4 stars). 2 submissions from 2 submitters: Uncertain significance (2). Last evaluated 2026-05-27.

Conditions:
Hereditary cancer-predisposing syndrome. Also called: Hereditary neoplastic syndrome; Tumor predisposition; Hereditary Cancer Syndrome; Neoplastic Syndromes, Hereditary. Identifiers: Orphanet 140162, MedGen C0027672, MeSH D009386, MONDO:0015356.
Neuroblastoma, susceptibility to, 3. Also called: ALK-Related Neuroblastic Tumor Susceptibility. Identifiers: Orphanet 635, MedGen C2751681, MONDO:0013083, OMIM 613014.

gnomAD v4.1: 1 of 1,614,048 alleles (0.000062%); highest among the groups gnomAD compares: Non-Finnish European, 0.000085%; no homozygotes.

Submissions (2):

Ambry Genetics
Classification: Uncertain significance for Hereditary cancer-predisposing syndrome. Last evaluated: 2026-05-27. Review status: criteria provided, single submitter. Criteria: Ambry Variant Classification Scheme 2023. Collection method: clinical testing. Allele origin: germline.
Comment: The p.V1155M variant (also known as c.3463G>A), located in coding exon 22 of the ALK gene, results from a G to A substitution at nucleotide position 3463. The valine at codon 1155 is replaced by methionine, an amino acid with highly similar properties. This amino acid position is conserved. In addition, the in silico prediction for this alteration is inconclusive. Based on the available evidence, the clinical significance of this variant remains unclear.

Labcorp Genetics (formerly Invitae), Labcorp
Classification: Uncertain significance for Neuroblastoma, susceptibility to, 3. Last evaluated: 2025-01-22. Review status: criteria provided, single submitter. Criteria: Invitae Variant Classification Sherloc (09022015). Collection method: clinical testing. Allele origin: germline.
Comment: This sequence change replaces valine, which is neutral and non-polar, with methionine, which is neutral and non-polar, at codon 1155 of the ALK protein (p.Val1155Met). This variant is not present in population databases (gnomAD no frequency). This variant has not been reported in the literature in individuals affected with ALK-related conditions. An algorithm developed to predict the effect of missense changes on protein structure and function (PolyPhen-2) suggests that this variant is likely to be tolerated. In summary, the available evidence is currently insufficient to determine the role of this variant in disease. Therefore, it has been classified as a Variant of Uncertain Significance.